The following is an entry in ClinVar:

ClinVar aggregate classification (germline): Pathogenic. Review status: criteria provided, multiple submitters, no conflicts (2 of 4 stars). 2 submissions from 2 submitters: Pathogenic (2). Last evaluated 2024-10-31.

Conditions:
Breast-ovarian cancer, familial, susceptibility to, 2 (BROVCA2). Also called: BRCA2 Hereditary Breast and Ovarian Cancer. Identifiers: Orphanet 145, MedGen C2675520, MONDO:0012933, OMIM 612555. Disease mechanism: loss of function.

Submissions (2):

Myriad Genetics, Inc.
Classification: Pathogenic for Breast-ovarian cancer, familial, susceptibility to, 2. Last evaluated: 2024-10-31. Review status: criteria provided, single submitter. Criteria: Myriad Autosomal Dominant, Autosomal Recessive and X-Linked Classification Criteria (2023). Collection method: clinical testing. Allele origin: unknown.
Comment: This variant is considered pathogenic. This variant creates a frameshift predicted to result in premature protein truncation.

GeneDx
Classification: Pathogenic. Last evaluated: 2020-10-30. Review status: criteria provided, single submitter. Criteria: GeneDx Variant Classification (06012015). Collection method: clinical testing. Allele origin: germline. Affected: yes.
Comment: Frameshift variant predicted to result in protein truncation or nonsense mediated decay in a gene for which loss-of-function is a known mechanism of disease Not observed in large population cohorts (Lek 2016) Truncating variants in this gene are considered pathogenic by a well-established clinical consortium and/or database Has not been previously published as pathogenic or benign to our knowledge Also known as 6943dupG

NM_000059.4(BRCA2):c.6715dup (p.Glu2239fs)

Gene: BRCA2 (BRCA2 DNA repair associated; plus strand). Cytogenetic location: 13q13.1.
Variant type: Duplication.
Coding change: c.6715dup on transcript NM_000059.4 (MANE Select); coding-DNA position 6715, one base duplicated (G; older notation c.6715dupG).
Protein change: p.Glu2239fs; shifts the reading frame from glutamic acid 2239.
Molecular consequence: frameshift variant.
Genome position (GRCh38, 1-based): chr13:32,341,070, G duplicated. VCF-style (leftmost placement, unchanged base first): chr13-32341069-T-TG. GRCh37 (hg19) VCF-style: chr13-32915206-T-TG.
Other names: c.6715dupG (NM_000059.3); short protein forms E2239fs.
Identifiers: ClinVar variation 545792 (VCV000545792.4), dbSNP rs1555284822, ClinGen allele CA658823618.